The following is an entry in ClinVar:

ClinVar aggregate classification (germline): Conflicting classifications of pathogenicity. Review status: criteria provided, conflicting classifications (1 of 4 stars). 4 submissions from 4 submitters: Uncertain significance (1); Benign (1); Likely benign (2). Last evaluated 2025-12-15.

Conditions:
Hereditary cancer-predisposing syndrome. Also called: Hereditary neoplastic syndrome; Neoplastic Syndromes, Hereditary; Tumor predisposition; Hereditary Cancer Syndrome. Identifiers: Orphanet 140162, MedGen C0027672, MeSH D009386, MONDO:0015356.
Tuberous sclerosis 2 (TSC2). Identifiers: Orphanet 805, MedGen C1860707, MONDO:0013199, OMIM 613254.

Allele frequency attached by ClinVar (database versions not stated): gnomAD exomes below 0.00001.
gnomAD v4.1: 6 of 1,613,140 alleles (0.00037%); highest among the groups gnomAD compares: Non-Finnish European, 0.00051%; no homozygotes.

Submissions (4):

Labcorp Genetics (formerly Invitae), Labcorp
Classification: Likely benign for Tuberous sclerosis 2. Last evaluated: 2025-12-15. Review status: criteria provided, single submitter. Criteria: Invitae Variant Classification Sherloc (09022015). Collection method: clinical testing. Allele origin: germline.

Myriad Genetics, Inc.
Classification: Benign for Tuberous sclerosis 2. Last evaluated: 2025-05-27. Review status: criteria provided, single submitter. Criteria: Myriad Autosomal Dominant, Autosomal Recessive and X-Linked Classification Criteria (2023). Collection method: clinical testing. Allele origin: unknown.
Comment: This variant is considered benign. This variant is a silent/synonymous amino acid change and it is not expected to impact splicing.

GeneDx
Classification: Uncertain significance. Last evaluated: 2023-02-17. Review status: criteria provided, single submitter. Criteria: GeneDx Variant Classification Process June 2021. Collection method: clinical testing. Allele origin: germline. Affected: yes.
Comment: Not observed at significant frequency in large population cohorts (gnomAD); In silico analysis supports that this variant does not alter splicing; Has not been previously published as pathogenic or benign to our knowledge

Ambry Genetics
Classification: Likely benign for Hereditary cancer-predisposing syndrome. Last evaluated: 2022-08-19. Review status: criteria provided, single submitter. Criteria: Ambry Variant Classification Scheme 2023. Collection method: clinical testing. Allele origin: germline.

NM_000548.5(TSC2):c.2877C>T (p.Asn959=)

Gene: TSC2 (TSC complex subunit 2; plus strand). Cytogenetic location: 16p13.3.
Variant type: single nucleotide variant.
Coding change: c.2877C>T on transcript NM_000548.5 (MANE Select); coding-DNA position 2877, C replaced by T.
Protein change: p.Asn959=; no amino-acid change (asparagine 959 retained).
Molecular consequence: synonymous variant. On other transcripts: intron variant (9).
Genome position (GRCh38, 1-based): chr16:2,077,637, C>T. VCF-style: chr16-2077637-C-T. GRCh37 (hg19) VCF-style: chr16-2127638-C-T.
Other names: c.2877C>T, p.Asn959= (NM_001114382.3); c.2837+1052C>T (NM_021055.3, NM_001370405.1, NM_001363528.2 and 2 more transcripts); c.2726+1052C>T (NM_001318827.2); c.2237+1052C>T (NM_001318831.2); c.2690+1052C>T (NM_001318829.2); c.2870+1052C>T (NM_001318832.2).
Identifiers: ClinVar variation 723731 (VCV000723731.11), dbSNP rs147523833, ClinGen allele CA492954899.